The following is an entry in ClinVar:

ClinVar aggregate classification (germline): Uncertain significance. Review status: criteria provided, multiple submitters, no conflicts (2 of 4 stars). 2 submissions from 2 submitters: Uncertain significance (2). Last evaluated 2023-05-18.

Conditions:
Inborn genetic diseases. Identifiers: MedGen C0950123, MeSH D030342.

Allele frequency attached by ClinVar (database versions not stated): gnomAD 0.00001; TOPMed 0.00002; 1000 Genomes Project 30x 0.00016; 1000 Genomes Project 0.00020; gnomAD exomes below 0.00001.
gnomAD v4.1: 8 of 1,592,980 alleles (0.0005%); highest among the groups gnomAD compares: East Asian, 0.0046%; no homozygotes.

Submissions (2):

Ambry Genetics
Classification: Uncertain significance for Inborn genetic diseases. Last evaluated: 2023-05-18. Review status: criteria provided, single submitter. Criteria: Ambry Variant Classification Scheme 2023. Collection method: clinical testing. Allele origin: germline.

Labcorp Genetics (formerly Invitae), Labcorp
Classification: Uncertain significance. Last evaluated: 2021-08-26. Review status: criteria provided, single submitter. Criteria: Invitae Variant Classification Sherloc (09022015). Collection method: clinical testing. Allele origin: germline.
Comment: This sequence change replaces arginine with tryptophan at codon 450 of the PAX1 protein (p.Arg450Trp). The arginine residue is weakly conserved and there is a moderate physicochemical difference between arginine and tryptophan. This variant is not present in population databases (ExAC no frequency). This variant has not been reported in the literature in individuals affected with PAX1-related conditions. Algorithms developed to predict the effect of missense changes on protein structure and function are either unavailable or do not agree on the potential impact of this missense change (SIFT: "Deleterious"; PolyPhen-2: "Possibly Damaging"; Align-GVGD: "Class C0"). In summary, the available evidence is currently insufficient to determine the role of this variant in disease. Therefore, it has been classified as a Variant of Uncertain Significance.

NM_001257096.2(PAX1):c.1358C>T (p.Pro453Leu)

Gene: PAX1 (paired box 1; plus strand). Cytogenetic location: 20p11.22.
Variant type: single nucleotide variant.
Coding change: c.1358C>T on transcript NM_001257096.2 (MANE Select); coding-DNA position 1358, C replaced by T.
Protein change: p.Pro453Leu; replaces proline 453 with leucine.
Molecular consequence: missense variant.
Genome position (GRCh38, 1-based): chr20:21,714,546, C>T. VCF-style: chr20-21714546-C-T. GRCh37 (hg19) VCF-style: chr20-21695184-C-T.
Other names: c.1348C>T, p.Arg450Trp (NM_006192.5); c.1348C>T (NM_006192.3); short protein forms P453L, R450W.
Identifiers: ClinVar variation 1421937 (VCV001421937.6), dbSNP rs199749658, ClinGen allele CA313028367.